The following is an entry in ClinVar:

ClinVar aggregate classification (germline): Uncertain significance (1 of 4 stars; one submission).

Conditions:
Inborn genetic diseases. Identifiers: MedGen C0950123, MeSH D030342.

Submission:

Ambry Genetics
Classification: Uncertain significance for Inborn genetic diseases. Last evaluated: 2025-12-17. Review status: criteria provided, single submitter. Criteria: Ambry Variant Classification Scheme 2023. Collection method: clinical testing. Allele origin: germline.
Comment: The c.5693C>A (p.T1898N) alteration is located in exon 29 (coding exon 29) of the POLR2A gene. This alteration results from a C to A substitution at nucleotide position 5693, causing the threonine (T) at amino acid position 1898 to be replaced by an asparagine (N). Based on data from gnomAD, the A allele has an overall frequency of <0.001% (1/250152) total alleles studied. The highest observed frequency was 0.003% (1/34560) of Latino alleles. Based on insufficient or conflicting evidence, the clinical significance of this alteration remains unclear.

NM_000937.5(POLR2A):c.5693C>A (p.Thr1898Asn)

Gene: POLR2A (RNA polymerase II subunit A; plus strand). Cytogenetic location: 17p13.1.
Variant type: single nucleotide variant.
Coding change: c.5693C>A on transcript NM_000937.5 (MANE Select); coding-DNA position 5693, C replaced by A.
Protein change: p.Thr1898Asn; replaces threonine 1898 with asparagine.
Molecular consequence: missense variant.
Genome position (GRCh38, 1-based): chr17:7,513,959, C>A. VCF-style: chr17-7513959-C-A. GRCh37 (hg19) VCF-style: chr17-7417276-C-A.
Other names: short protein forms T1898N.
Identifiers: ClinVar variation 4831894 (VCV004831894.1).